The following is an entry in ClinVar:

NM_020771.4(HACE1):c.988G>A (p.Val330Ile)

Gene: HACE1 (HECT domain and ankyrin repeat containing E3 ubiquitin protein ligase 1; minus strand). Cytogenetic location: 6q16.3.
Variant type: single nucleotide variant.
Coding change: c.988G>A on transcript NM_020771.4 (MANE Select); coding-DNA position 988, G replaced by A.
Protein change: p.Val330Ile; replaces valine 330 with isoleucine.
Molecular consequence: missense variant. On other transcripts: non-coding transcript variant (7).
Genome position (GRCh38, 1-based): chr6:104,791,590, C>T on the plus strand (G>A on the coding strand, the complement: HACE1 is on the minus strand). VCF-style: chr6-104791590-C-T. GRCh37 (hg19) VCF-style: chr6-105239465-C-T.
Other names: p.Val330Ile; c.988G>A (NM_020771.3); c.856G>A, p.Val286Ile (NM_001321080.2); c.886G>A, p.Val296Ile (NM_001321083.2); c.484G>A, p.Val162Ile (NM_001321084.2, NM_001350557.2, NM_001350558.2); c.754G>A, p.Val252Ile (NM_001350554.2); c.697G>A, p.Val233Ile (NM_001350555.2); c.502G>A, p.Val168Ile (NM_001350556.2); and 2 more; short protein forms V162I, V296I, V69I, V286I, V168I, V233I, V330I, V136I.
Identifiers: ClinVar variation 2062180 (VCV002062180.5), dbSNP rs142150565, ClinGen allele CA3940376.

ClinVar aggregate classification (germline): Conflicting classifications of pathogenicity. Review status: criteria provided, conflicting classifications (1 of 4 stars). 4 submissions from 4 submitters: Uncertain significance (2); Likely benign (1). 1 of the submissions does not count toward it. Last evaluated 2025-02-28.

Conditions:
HACE1-related disorder. Also called: HACE1-related condition.

Allele frequency attached by ClinVar (database versions not stated): TOPMed 0.00023; ESP Exome Variant Server 0.00031; gnomAD 0.00038; 1000 Genomes Project 0.00040; ExAC 0.00042; 1000 Genomes Project 30x 0.00047.
gnomAD v4.1: 687 of 1,609,984 alleles (0.043%); highest among the groups gnomAD compares: Non-Finnish European, 0.046%; no homozygotes.

Submissions (4):

Mayo Clinic Laboratories, Mayo Clinic
Classification: Likely benign. Last evaluated: 2025-02-28. Review status: criteria provided, single submitter. Criteria: ACMG Guidelines, 2015. Collection method: clinical testing. Allele origin: germline. Observed: 2 variant alleles.
Comment: BS1, BP4

Blueprint Genetics
Classification: Uncertain significance. Last evaluated: 2024-11-20. Review status: criteria provided, single submitter. Criteria: ACMG Guidelines, 2015. Collection method: clinical testing. Allele origin: germline.

Labcorp Genetics (formerly Invitae), Labcorp
Classification: Uncertain significance. Last evaluated: 2024-11-05. Review status: criteria provided, single submitter. Criteria: Invitae Variant Classification Sherloc (09022015). Collection method: clinical testing. Allele origin: germline.
Comment: This sequence change replaces valine, which is neutral and non-polar, with isoleucine, which is neutral and non-polar, at codon 330 of the HACE1 protein (p.Val330Ile). This variant is present in population databases (rs142150565, gnomAD 0.2%), and has an allele count higher than expected for a pathogenic variant. This variant has not been reported in the literature in individuals affected with HACE1-related conditions. ClinVar contains an entry for this variant (Variation ID: 2062180). Invitae Evidence Modeling of protein sequence and biophysical properties (such as structural, functional, and spatial information, amino acid conservation, physicochemical variation, residue mobility, and thermodynamic stability) indicates that this missense variant is not expected to disrupt HACE1 protein function with a negative predictive value of 80%. In summary, the available evidence is currently insufficient to determine the role of this variant in disease. Therefore, it has been classified as a Variant of Uncertain Significance.

PreventionGenetics, part of Exact Sciences
Classification: Likely benign for HACE1-related condition. Last evaluated: 2024-07-12. Review status: no assertion criteria provided. Collection method: clinical testing. Allele origin: germline. Not counted in ClinVar's aggregate classification.
Comment: This variant is classified as likely benign based on ACMG/AMP sequence variant interpretation guidelines (Richards et al. 2015 PMID: 25741868, with internal and published modifications).